The following is an entry in ClinVar:

NM_004706.4(ARHGEF1):c.2444G>A (p.Cys815Tyr)

Gene: ARHGEF1 (Rho guanine nucleotide exchange factor 1; plus strand). Cytogenetic location: 19q13.2.
Variant type: single nucleotide variant.
Coding change: c.2444G>A on transcript NM_004706.4 (MANE Select); coding-DNA position 2444, G replaced by A.
Protein change: p.Cys815Tyr; replaces cysteine 815 with tyrosine.
Molecular consequence: missense variant. On other transcripts: non-coding transcript variant (2).
Genome position (GRCh38, 1-based): chr19:41,905,978, G>A. VCF-style: chr19-41905978-G-A. GRCh37 (hg19) VCF-style: chr19-42410130-G-A.
Other names: c.2612G>A, p.Cys871Tyr (NM_001396000.1); c.2345G>A, p.Cys782Tyr (NM_001396002.1, NM_001396004.1, NM_198977.2); c.2444G>A, p.Cys815Tyr (NM_001396003.1, NM_001396006.1); c.2489G>A, p.Cys830Tyr (NM_199002.2); short protein forms C782Y, C830Y, C815Y, C871Y.
Identifiers: ClinVar variation 3660225 (VCV003660225.2).

ClinVar aggregate classification (germline): Uncertain significance (1 of 4 stars; one submission).

Submission:

Labcorp Genetics (formerly Invitae), Labcorp
Classification: Uncertain significance. Last evaluated: 2024-07-22. Review status: criteria provided, single submitter. Criteria: Invitae Variant Classification Sherloc (09022015). Collection method: clinical testing. Allele origin: germline.
Comment: This sequence change replaces cysteine, which is neutral and slightly polar, with tyrosine, which is neutral and polar, at codon 830 of the ARHGEF1 protein (p.Cys830Tyr). This variant is not present in population databases (gnomAD no frequency). This variant has not been reported in the literature in individuals affected with ARHGEF1-related conditions. An algorithm developed to predict the effect of missense changes on protein structure and function (PolyPhen-2) suggests that this variant is likely to be disruptive. In summary, the available evidence is currently insufficient to determine the role of this variant in disease. Therefore, it has been classified as a Variant of Uncertain Significance.